The following is an entry in ClinVar:

ClinVar aggregate classification (germline): Likely pathogenic. Review status: criteria provided, multiple submitters, no conflicts (2 of 4 stars). 3 submissions from 3 submitters: Likely pathogenic (2). 1 of the submissions does not count toward it. Last evaluated 2024-11-16.

Conditions:
Familial thoracic aortic aneurysm and aortic dissection (TAAD). Also called: Thoracic aortic aneurysms and dissections. Identifiers: Orphanet 91387, MedGen C4707243, MONDO:0019625.
Marfan syndrome (MFS). Also called: Marfan syndrome type 1; Marfan syndrome, classic; Marfan's syndrome; FBN1-Related Marfan Syndrome; MARFAN SYNDROME, TYPE I. Identifiers: Orphanet 284963, Orphanet 558, MedGen C0024796, MONDO:0007947, OMIM 154700.
Abnormality of connective tissue. Identifiers: MedGen C4025596, HP:0003549.

Submissions (3):

Ambry Genetics
Classification: Likely pathogenic for Familial thoracic aortic aneurysm and aortic dissection. Last evaluated: 2024-11-16. Review status: criteria provided, single submitter. Criteria: Ambry Variant Classification Scheme 2023. Collection method: clinical testing. Allele origin: germline.
Comment: The p.C1415R variant (also known as c.4243T>C), located in coding exon 34 of the FBN1 gene, results from a T to C substitution at nucleotide position 4243. The cysteine at codon 1415 is replaced by arginine, an amino acid with highly dissimilar properties. This variant has been observed in at least one individual with a personal and/or family history that is consistent with Marfan syndrome (Ambry internal data). The majority of FBN1 mutations identified to date have involved the substitution or generation of cysteine residues within cbEGF domains (Vollbrandt T et al. J Biol Chem. 2004;279(31):32924-32931). Internal structural analysis indicates this alteration eliminates a disulfide bond critical for the structural integrity of the cbEGF20 domain (Ambry internal data). This amino acid position is highly conserved in available vertebrate species. In addition, this alteration is predicted to be deleterious by in silico analysis. This variant is considered to be rare based on population cohorts in the Genome Aggregation Database (gnomAD). Based on the majority of available evidence to date, this variant is likely to be pathogenic.

Kariminejad - Najmabadi Pathology & Genetics Center
Classification: Likely pathogenic for Abnormality of connective tissue. Last evaluated: 2021-07-10. Review status: criteria provided, single submitter. Criteria: ACMG Guidelines, 2015. Collection method: clinical testing. Allele origin: germline. Affected: yes.

Center for Medical Genetics Ghent, University of Ghent
Classification: Likely pathogenic for Marfan syndrome. Last evaluated: 2017-11-07. Review status: no assertion criteria provided. Collection method: clinical testing. Allele origin: de novo. Affected: yes. Not counted in ClinVar's aggregate classification.

NM_000138.5(FBN1):c.4243T>C (p.Cys1415Arg)

Genes: FBN1 (fibrillin 1; minus strand), LOC126862124 (CDK7 strongly-dependent group 2 enhancer GRCh37_chr15:48764566-48765765; plus strand). Cytogenetic location: 15q21.1.
Variant type: single nucleotide variant.
Coding change: c.4243T>C on transcript NM_000138.5 (MANE Select); coding-DNA position 4243, T replaced by C.
Protein change: p.Cys1415Arg; replaces cysteine 1415 with arginine.
Molecular consequence: missense variant.
Genome position (GRCh38, 1-based): chr15:48,472,644, A>G on the plus strand (T>C on the coding strand, the complement: FBN1 is on the minus strand). VCF-style: chr15-48472644-A-G. GRCh37 (hg19) VCF-style: chr15-48764841-A-G.
Other names: short protein forms C1415R.
Identifiers: ClinVar variation 519707 (VCV000519707.27), dbSNP rs1555397557, ClinGen allele CA392318000.